The following is an entry in ClinVar:

ClinVar aggregate classification (germline): Uncertain significance. Review status: criteria provided, multiple submitters, no conflicts (2 of 4 stars). 3 submissions from 3 submitters: Uncertain significance (3). Last evaluated 2025-10-02.

Conditions:
Spinocerebellar ataxia 42, early-onset, severe, with neurodevelopmental deficits. Identifiers: MedGen C4748120, MONDO:0060758, OMIM 618087.

Allele frequency attached by ClinVar (database versions not stated): gnomAD exomes 0.00001.
gnomAD v4.1: 12 of 1,573,578 alleles (0.00076%); highest among the groups gnomAD compares: Non-Finnish European, 0.00095%; no homozygotes.

Submissions (3):

Labcorp Genetics (formerly Invitae), Labcorp
Classification: Uncertain significance. Last evaluated: 2025-10-02. Review status: criteria provided, single submitter. Criteria: Invitae Variant Classification Sherloc (09022015). Collection method: clinical testing. Allele origin: germline.
Comment: This sequence change replaces proline, which is neutral and non-polar, with serine, which is neutral and polar, at codon 1077 of the CACNA1G protein (p.Pro1077Ser). This variant is not present in population databases (gnomAD no frequency). This variant has not been reported in the literature in individuals affected with CACNA1G-related conditions. ClinVar contains an entry for this variant (Variation ID: 1803204). Invitae Evidence Modeling of protein sequence and biophysical properties (such as structural, functional, and spatial information, amino acid conservation, physicochemical variation, residue mobility, and thermodynamic stability) has been performed for this missense variant. However, the output from this modeling did not meet the statistical confidence thresholds required to predict the impact of this variant on CACNA1G protein function. In summary, the available evidence is currently insufficient to determine the role of this variant in disease. Therefore, it has been classified as a Variant of Uncertain Significance.

CeGaT Center for Human Genetics Tuebingen
Classification: Uncertain significance. Last evaluated: 2023-11-01. Review status: criteria provided, single submitter. Criteria: CeGaT Center For Human Genetics Tuebingen Variant Classification Criteria Version 2. Collection method: clinical testing. Allele origin: germline. Affected: yes. Observed: 1 variant allele.
Comment: CACNA1G: PM2

Genetics and Molecular Pathology, SA Pathology
Classification: Uncertain significance for Spinocerebellar ataxia 42, early-onset, severe, with neurodevelopmental deficits. Last evaluated: 2021-06-17. Review status: criteria provided, single submitter. Criteria: ACMG Guidelines, 2015. Collection method: clinical testing. Allele origin: germline. Inheritance: Autosomal dominant inheritance. Affected: yes.
Comment: The CACNA1G c.3229C>T variant is classified as VUS (PM2). Clinical review required

NM_018896.5(CACNA1G):c.3229C>T (p.Pro1077Ser)

Gene: CACNA1G (calcium voltage-gated channel subunit alpha1 G; plus strand). Cytogenetic location: 17q21.33.
Variant type: single nucleotide variant.
Coding change: c.3229C>T on transcript NM_018896.5 (MANE Select); coding-DNA position 3229, C replaced by T.
Protein change: p.Pro1077Ser; replaces proline 1077 with serine.
Molecular consequence: missense variant. On other transcripts: non-coding transcript variant (5).
Genome position (GRCh38, 1-based): chr17:50,596,894, C>T. VCF-style: chr17-50596894-C-T. GRCh37 (hg19) VCF-style: chr17-48674255-C-T.
Other names: c.3229C>T, p.Pro1077Ser (NM_001256324.2, NM_001256325.2, NM_001256326.2 and 16 more transcripts); c.3160C>T, p.Pro1054Ser (NM_001256332.2, NM_198376.3, NM_198379.3 and 5 more transcripts); short protein forms P1054S, P1077S.
Identifiers: ClinVar variation 1803204 (VCV001803204.26), dbSNP rs1458889280, ClinGen allele CA400252488.